The following is an entry in ClinVar:

NM_000193.4(SHH):c.944T>A (p.Val315Glu)

Gene: SHH (sonic hedgehog signaling molecule; minus strand). Cytogenetic location: 7q36.3.
Variant type: single nucleotide variant.
Coding change: c.944T>A on transcript NM_000193.4 (MANE Select); coding-DNA position 944, T replaced by A.
Protein change: p.Val315Glu; replaces valine 315 with glutamic acid.
Molecular consequence: missense variant. On other transcripts: intron variant (1).
Genome position (GRCh38, 1-based): chr7:155,803,345, A>T on the plus strand (T>A on the coding strand, the complement: SHH is on the minus strand). VCF-style: chr7-155803345-A-T. GRCh37 (hg19) VCF-style: chr7-155596039-A-T.
Other names: c.944T>A (NM_000193.2); c.301+2951T>A (NM_001310462.2); short protein forms V315E.
Identifiers: ClinVar variation 3061428 (VCV003061428.3), dbSNP rs2117127137, ClinGen allele CA370145594.

ClinVar aggregate classification (germline): Uncertain significance. Review status: criteria provided, single submitter (1 of 4 stars). 2 submissions from 2 submitters: Uncertain significance (1). 1 of the submissions does not count toward it. Last evaluated 2023-06-23.

Conditions:
SHH-related disorder. Also called: SHH-related disorders; SHH-related condition.

Submissions (2):

GeneDx
Classification: Uncertain significance. Last evaluated: 2023-06-23. Review status: criteria provided, single submitter. Criteria: GeneDx Variant Classification Process June 2021. Collection method: clinical testing. Allele origin: germline. Affected: yes.
Comment: Not observed at significant frequency in large population cohorts (gnomAD); In silico analysis supports that this missense variant has a deleterious effect on protein structure/function; Has not been previously published as pathogenic or benign to our knowledge

PreventionGenetics, part of Exact Sciences
Classification: Uncertain significance for SHH-related condition. Last evaluated: 2023-12-14. Review status: no assertion criteria provided. Collection method: clinical testing. Allele origin: germline. Not counted in ClinVar's aggregate classification.
Comment: The SHH c.944T>A variant is predicted to result in the amino acid substitution p.Val315Glu. To our knowledge, this variant has not been reported in the literature or in a large population database, indicating this variant is rare. At this time, the clinical significance of this variant is uncertain due to the absence of conclusive functional and genetic evidence.